The following is an entry in ClinVar:

NM_007347.5(AP4E1):c.2164A>G (p.Lys722Glu)

Gene: AP4E1 (adaptor related protein complex 4 subunit epsilon 1; plus strand). Cytogenetic location: 15q21.2.
Variant type: single nucleotide variant.
Coding change: c.2164A>G on transcript NM_007347.5 (MANE Select); coding-DNA position 2164, A replaced by G.
Protein change: p.Lys722Glu; replaces lysine 722 with glutamic acid.
Molecular consequence: missense variant.
Genome position (GRCh38, 1-based): chr15:50,993,443, A>G. VCF-style: chr15-50993443-A-G. GRCh37 (hg19) VCF-style: chr15-51285640-A-G.
Other names: c.1939A>G, p.Lys647Glu (NM_001252127.2); c.2164A>G (NM_007347.3); short protein forms K647E, K722E.
Identifiers: ClinVar variation 1176341 (VCV001176341.36), dbSNP rs2140928276, ClinGen allele CA392419351.

ClinVar aggregate classification (germline): Uncertain significance. Review status: criteria provided, multiple submitters, no conflicts (2 of 4 stars). 2 submissions from 2 submitters: Uncertain significance (2). Last evaluated 2024-01-03.

Conditions:
Inborn genetic diseases. Identifiers: MedGen C0950123, MeSH D030342.

Allele frequency attached by ClinVar (database versions not stated): gnomAD exomes 0.00001.
gnomAD v4.1: 6 of 1,614,034 alleles (0.00037%); highest among the groups gnomAD compares: Non-Finnish European, 0.00051%; no homozygotes.

Submissions (2):

Ambry Genetics
Classification: Uncertain significance for Inborn genetic diseases. Last evaluated: 2024-01-03. Review status: criteria provided, single submitter. Criteria: Ambry Variant Classification Scheme 2023. Collection method: clinical testing. Allele origin: germline.

CeGaT Center for Human Genetics Tuebingen
Classification: Uncertain significance. Last evaluated: 2023-09-01. Review status: criteria provided, single submitter. Criteria: CeGaT Center For Human Genetics Tuebingen Variant Classification Criteria Version 2. Collection method: clinical testing. Allele origin: germline. Affected: yes. Observed: 1 variant allele.
Comment: AP4E1: PM2, BP4